The following is an entry in ClinVar:

ClinVar aggregate classification (germline): Conflicting classifications of pathogenicity. Review status: criteria provided, conflicting classifications (1 of 4 stars). 14 submissions from 14 submitters: Likely risk allele (1); Benign (10). 3 of the submissions do not count toward it. Last evaluated 2026-02-04.

Conditions:
Cardiovascular phenotype. Identifiers: MedGen CN230736.
Monogenic diabetes. Identifiers: Orphanet 183625, MedGen C3888631, MONDO:0015967.
Alstrom syndrome (ALMS). Identifiers: Orphanet 64, MedGen C0268425, MONDO:0008763, OMIM 203800.

Allele frequency attached by ClinVar (database versions not stated): gnomAD exomes 0.00165 and 0.00397; ExAC 0.00497; 1000 Genomes Project 0.01877; 1000 Genomes Project 30x 0.02030; gnomAD 0.01604 and 0.01714; ESP Exome Variant Server 0.01720; TOPMed 0.01773.
gnomAD v4.1: 4,944 of 1,613,498 alleles (0.31%); highest among the groups gnomAD compares: African/African-American, 5.7%; 146 homozygotes.

Submissions (14):

Labcorp Genetics (formerly Invitae), Labcorp
Classification: Benign for Alstrom syndrome. Last evaluated: 2026-02-04. Review status: criteria provided, single submitter. Criteria: Invitae Variant Classification Sherloc (09022015). Collection method: clinical testing. Allele origin: germline.

ARUP Laboratories, Molecular Genetics and Genomics, ARUP Laboratories
Classification: Benign for Alstrom syndrome. Last evaluated: 2025-07-08. Review status: criteria provided, single submitter. Criteria: ARUP Molecular Germline Variant Investigation Process 2024. Collection method: clinical testing. Allele origin: germline.

Clinical Genomics, Uppaluri K&H Personalized Medicine Clinic
Classification: Likely risk allele for Alstrom syndrome. Last evaluated: 2024-02-15. Review status: criteria provided, single submitter. Criteria: K & H Uppaluri Personalized Medicine Clinic Variant Classification & Assertion Criteria_Updated V.1. Collection method: research. Allele origin: unknown. Inheritance: Autosomal recessive inheritance.
Comment: Potent mutations in ALMS1 are associated with a rare condition called Alstrom syndrome. It can cause excessive eating, insulin resistance. However, no evidence is found to ascertain the role of rs11889925 in Alstrom syndrome yet.This variant is a potent moderate impact, deleterious variant with a CADD score of 25.2. This gene is found to be frequently associated with Alstrom syndrome as per recent evidence as well, with sufficient scientific evidence to support the reported classification.

Athena Diagnostics
Classification: Benign. Last evaluated: 2019-03-21. Review status: criteria provided, single submitter. Criteria: Athena Diagnostics Criteria. Collection method: clinical testing. Allele origin: germline.

Personalized Diabetes Medicine Program, University of Maryland School of Medicine
Classification: Benign for Monogenic diabetes. Last evaluated: 2019-02-08. Review status: criteria provided, single submitter. Criteria: ACMG Guidelines, 2015. Collection method: research. Allele origin: unknown. Observed: 15 variant alleles, 15 heterozygotes.
Comment: ACMG criteria: BA1 (5.6% in gnomAD African), BS2 (46 homozygotes in gnomAD), BP1 (most ALMS1 pathogenic variants are truncating) REVEL score 0.2 + PP3 (4 predictors) + BP4 (5 predictors)= conflicting evidence, not using)= benign

Ambry Genetics
Classification: Benign for Cardiovascular phenotype. Last evaluated: 2019-01-07. Review status: criteria provided, single submitter. Criteria: Ambry Variant Classification Scheme 2023. Collection method: clinical testing. Allele origin: germline.

GeneDx
Classification: Benign. Last evaluated: 2016-10-11. Review status: criteria provided, single submitter. Criteria: GeneDx Variant Classification (06012015). Collection method: clinical testing. Allele origin: germline. Affected: yes.
Comment: This variant is considered likely benign or benign based on one or more of the following criteria: it is a conservative change, it occurs at a poorly conserved position in the protein, it is predicted to be benign by multiple in silico algorithms, and/or has population frequency not consistent with disease.

Laboratory for Molecular Medicine, Mass General Brigham Personalized Medicine
Classification: Benign. Last evaluated: 2016-03-21. Review status: criteria provided, single submitter. Criteria: LMM Criteria. Collection method: clinical testing. Allele origin: germline. Observed: 5 variant alleles.
Comment: p.Pro224His in exon 4 of ALMS1: This variant is not expected to have clinical si gnificance because it has been identified in 5.67% (556/9798) of African chromos omes by the Exome Aggregation Consortium (ExAC; dbSNP rs11889925).

Women's Health and Genetics/Laboratory Corporation of America, LabCorp
Classification: Benign. Last evaluated: 2016-02-15. Review status: criteria provided, single submitter. Criteria: LabCorp Variant Classification Summary - May 2015. Collection method: clinical testing. Allele origin: germline.
Comment: Variant summary: ALMS1 c.671C>A (alternative name c.674C>A) affects a conserved nucleotide, resulting in amino acid change from Pro to His. 3/4 in-silico tools predict this variant to be damaging (SNPs&GO not captured due to low reliability index), however, these predictions have not been validated through in vitro/vivo functional studies yet. This variant was found in 658/122504 control chromosomes from ExAC dataset at a frequency of 0.0053713, predominantly in individuals of African descent (0.05675) including 18 homozygotes. This frequency exceeds the maximal expected frequency of a pathogenic allele (0.0022361), suggesting this variant is benign ethnic-specific polymorphism. This variant, to our knowledge, has not been reported in affected individuals via publications. One clinical laboratory (via ClinVar) classified this variant as benign, without evidence to independently evaluate. Taken together, this variant was classified as benign.

Center for Pediatric Genomic Medicine, Children's Mercy Hospital and Clinics
Classification: Benign. Last evaluated: 2015-06-04. Review status: criteria provided, single submitter. Criteria: ACMG Guidelines, 2015. Collection method: clinical testing. Allele origin: germline.

Breakthrough Genomics
Classification: Benign. Review status: criteria provided, single submitter. Criteria: ACMG Guidelines, 2015. Collection method: not provided. Allele origin: germline. Inheritance: Autosomal recessive inheritance. Affected: yes.

Natera, Inc.
Classification: Benign for Alstrom syndrome. Last evaluated: 2020-09-16. Review status: no assertion criteria provided. Collection method: clinical testing. Allele origin: germline. Not counted in ClinVar's aggregate classification.

Genome Diagnostics Laboratory, University Medical Center Utrecht
Classification: Benign. Review status: no assertion criteria provided. Collection method: clinical testing. Allele origin: germline. Affected: yes. Study: VKGL Data-share Consensus. Not counted in ClinVar's aggregate classification.

Laboratory of Diagnostic Genome Analysis, Leiden University Medical Center (LUMC)
Classification: Likely benign. Review status: no assertion criteria provided. Collection method: clinical testing. Allele origin: germline. Affected: yes. Study: VKGL Data-share Consensus. Not counted in ClinVar's aggregate classification.

Literature cited by the submitters: PubMed 25846608 (cited by Clinical Genomics, Uppaluri K&H Personalized Medicine Clinic); PubMed 36109815 (cited by Clinical Genomics, Uppaluri K&H Personalized Medicine Clinic); PubMed 32945434 (cited by Clinical Genomics, Uppaluri K&H Personalized Medicine Clinic).

NM_001378454.1(ALMS1):c.671C>A (p.Pro224His)

Gene: ALMS1 (ALMS1 centrosome and basal body associated protein; plus strand). Cytogenetic location: 2p13.1.
Variant type: single nucleotide variant.
Coding change: c.671C>A on transcript NM_001378454.1 (MANE Select); coding-DNA position 671, C replaced by A.
Protein change: p.Pro224His; replaces proline 224 with histidine.
Molecular consequence: missense variant.
Genome position (GRCh38, 1-based): chr2:73,422,881, C>A. VCF-style: chr2-73422881-C-A. GRCh37 (hg19) VCF-style: chr2-73650009-C-A.
Other names: c.674C>A, p.Pro225His (NM_015120.4); short protein forms P225H, P224H.
Identifiers: ClinVar variation 221018 (VCV000221018.29), dbSNP rs11889925, ClinGen allele CA349503.